The following is an entry in ClinVar:

NM_005188.4(CBL):c.1721C>T (p.Ser574Phe)

Gene: CBL (Cbl proto-oncogene; plus strand). Cytogenetic location: 11q23.3.
Variant type: single nucleotide variant.
Coding change: c.1721C>T on transcript NM_005188.4 (MANE Select); coding-DNA position 1721, C replaced by T.
Protein change: p.Ser574Phe; replaces serine 574 with phenylalanine.
Molecular consequence: missense variant.
Genome position (GRCh38, 1-based): chr11:119,285,346, C>T. VCF-style: chr11-119285346-C-T. GRCh37 (hg19) VCF-style: chr11-119156056-C-T.
Other names: short protein forms S574F.
Identifiers: ClinVar variation 4768615 (VCV004768615.1).
Genomic context (GRCh38, chr11:119,285,346, plus strand): 5'-TTGGAGCAGAATCCCGACCTCAAAGACGCCCCTTGCCTTGTACACCAGGCGACTGTCCCT[C>T]CAGAGACAAACTGCCCCCTGTCCCCTCTAGCCGCCTTGGAGACTCATGGCTGCCCCGGCC-3'
Protein context (NP_005179.2, residues 564-584): PLPCTPGDCP[Ser574Phe]RDKLPPVPSS

ClinVar aggregate classification (germline): Uncertain significance (1 of 4 stars; one submission).

Conditions:
RASopathy. Also called: Noonan spectrum disorder; rasopathies. Identifiers: Orphanet 536391, MedGen C5555857, MONDO:0021060.

Submission:

Labcorp Genetics (formerly Invitae), Labcorp
Classification: Uncertain significance for RASopathy. Last evaluated: 2025-12-27. Review status: criteria provided, single submitter. Criteria: Invitae Variant Classification Sherloc (09022015). Collection method: clinical testing. Allele origin: germline.
Comment: This sequence change replaces serine, which is neutral and polar, with phenylalanine, which is neutral and non-polar, at codon 574 of the CBL protein (p.Ser574Phe). This variant is not present in population databases (gnomAD no frequency). This variant has not been reported in the literature in individuals affected with CBL-related conditions. Invitae Evidence Modeling of protein sequence and biophysical properties (such as structural, functional, and spatial information, amino acid conservation, physicochemical variation, residue mobility, and thermodynamic stability) indicates that this missense variant is not expected to disrupt CBL protein function with a negative predictive value of 95%. In summary, the available evidence is currently insufficient to determine the role of this variant in disease. Therefore, it has been classified as a Variant of Uncertain Significance.